The following is an entry in ClinVar:

NM_024580.6(EFL1):c.503A>G (p.Asn168Ser)

Gene: EFL1 (elongation factor like GTPase 1; minus strand). Cytogenetic location: 15q25.2.
Variant type: single nucleotide variant.
Coding change: c.503A>G on transcript NM_024580.6 (MANE Select); coding-DNA position 503, A replaced by G.
Protein change: p.Asn168Ser; replaces asparagine 168 with serine.
Molecular consequence: missense variant. On other transcripts: 5 prime UTR variant (1), non-coding transcript variant (1).
Genome position (GRCh38, 1-based): chr15:82,240,431, T>C on the plus strand (A>G on the coding strand, the complement: EFL1 is on the minus strand). VCF-style: chr15-82240431-T-C. GRCh37 (hg19) VCF-style: chr15-82532772-T-C.
Other names: c.350A>G, p.Asn117Ser (NM_001040610.3); c.-287A>G (NM_001322844.2); c.503A>G, p.Asn168Ser (NM_001322845.2); short protein forms N117S, N168S.
Identifiers: ClinVar variation 3635362 (VCV003635362.2).

ClinVar aggregate classification (germline): Uncertain significance (1 of 4 stars; one submission).

gnomAD v4.1: 8 of 1,601,886 alleles (0.0005%); highest among the groups gnomAD compares: Non-Finnish European, 0.0006%; no homozygotes.

Submission:

Labcorp Genetics (formerly Invitae), Labcorp
Classification: Uncertain significance. Last evaluated: 2024-08-12. Review status: criteria provided, single submitter. Criteria: Invitae Variant Classification Sherloc (09022015). Collection method: clinical testing. Allele origin: germline.
Comment: This sequence change replaces asparagine, which is neutral and polar, with serine, which is neutral and polar, at codon 168 of the EFL1 protein (p.Asn168Ser). This variant is present in population databases (no rsID available, gnomAD 0.003%). This variant has not been reported in the literature in individuals affected with EFL1-related conditions. Advanced modeling of protein sequence and biophysical properties (such as structural, functional, and spatial information, amino acid conservation, physicochemical variation, residue mobility, and thermodynamic stability) performed at Invitae indicates that this missense variant is not expected to disrupt EFL1 protein function with a negative predictive value of 80%. In summary, the available evidence is currently insufficient to determine the role of this variant in disease. Therefore, it has been classified as a Variant of Uncertain Significance.